The following is an entry in ClinVar:

NM_001184.4(ATR):c.5169C>A (p.Asp1723Glu)

Gene: ATR (ATR checkpoint kinase; minus strand). Cytogenetic location: 3q23.
Variant type: single nucleotide variant.
Coding change: c.5169C>A on transcript NM_001184.4 (MANE Select); coding-DNA position 5169, C replaced by A.
Protein change: p.Asp1723Glu; replaces aspartic acid 1723 with glutamic acid.
Molecular consequence: missense variant.
Genome position (GRCh38, 1-based): chr3:142,505,166, G>T on the plus strand (C>A on the coding strand, the complement: ATR is on the minus strand). VCF-style: chr3-142505166-G-T. GRCh37 (hg19) VCF-style: chr3-142224008-G-T.
Other names: c.4977C>A, p.Asp1659Glu (NM_001354579.2); short protein forms D1659E, D1723E.
Identifiers: ClinVar variation 3221197 (VCV003221197.1), dbSNP rs2108355268, ClinGen allele CA354819769.
Genomic context (GRCh38, chr3:142,505,166, plus strand): 5'-TTCATTACAGTTGCCTTTCAATTATTATCTTACCTGGTCTGGTTCTAGCTGAATAGCCCT[G>T]TCATAACAAGCAGTGGCATCCCTCAGCAAGCCAAGGCTTTCATGTTCAAGGATCTGTTCT-3'
Protein context (NP_001175.2, residues 1713-1733): GLLRDATACY[Asp1723Glu]RAIQLEPDQI

ClinVar aggregate classification (germline): Uncertain significance (1 of 4 stars; one submission).

Conditions:
Inborn genetic diseases. Identifiers: MedGen C0950123, MeSH D030342.

Submission:

Ambry Genetics
Classification: Uncertain significance for Inborn genetic diseases. Last evaluated: 2024-03-13. Review status: criteria provided, single submitter. Criteria: Ambry Variant Classification Scheme 2023. Collection method: clinical testing. Allele origin: germline.
Comment: The p.D1723E variant (also known as c.5169C>A), located in coding exon 29 of the ATR gene, results from a C to A substitution at nucleotide position 5169. The aspartic acid at codon 1723 is replaced by glutamic acid, an amino acid with highly similar properties. This amino acid position is conserved. In addition, this alteration is predicted to be tolerated by in silico analysis. Based on the available evidence, the clinical significance of this alteration remains unclear.